The following is an entry in ClinVar:

ClinVar aggregate classification (germline): Uncertain significance (1 of 4 stars; one submission).

Conditions:
Muscular dystrophy-dystroglycanopathy (congenital with brain and eye anomalies), type a, 8 (MDDGA8). Also called: WALKER-WARBURG SYNDROME OR MUSCLE-EYE-BRAIN DISEASE, GTDC2-RELATED. Identifiers: Orphanet 899, MedGen C3553813, MONDO:0013904, OMIM 614830.

Allele frequency attached by ClinVar (database versions not stated): TOPMed 0.00002.
gnomAD v4.1: 8 of 1,614,044 alleles (0.0005%); highest among the groups gnomAD compares: Admixed American, 0.0017%; no homozygotes.

Submission:

Labcorp Genetics (formerly Invitae), Labcorp
Classification: Uncertain significance for Muscular dystrophy-dystroglycanopathy (congenital with brain and eye anomalies), type a, 8. Last evaluated: 2021-09-01. Review status: criteria provided, single submitter. Criteria: Invitae Variant Classification Sherloc (09022015). Collection method: clinical testing. Allele origin: germline.
Comment: This sequence change replaces arginine with glycine at codon 394 of the POMGNT2 protein (p.Arg394Gly). The arginine residue is moderately conserved and there is a moderate physicochemical difference between arginine and glycine. This variant is not present in population databases (ExAC no frequency). This variant has not been reported in the literature in individuals affected with POMGNT2-related conditions. Algorithms developed to predict the effect of missense changes on protein structure and function are either unavailable or do not agree on the potential impact of this missense change (SIFT: "Deleterious"; PolyPhen-2: "Benign"; Align-GVGD: "Class C0"). In summary, the available evidence is currently insufficient to determine the role of this variant in disease. Therefore, it has been classified as a Variant of Uncertain Significance.

NM_032806.6(POMGNT2):c.1180C>G (p.Arg394Gly)

Gene: POMGNT2 (protein O-linked mannose N-acetylglucosaminyltransferase 2 (beta 1,4-); minus strand). Cytogenetic location: 3p22.1.
Variant type: single nucleotide variant.
Coding change: c.1180C>G on transcript NM_032806.6 (MANE Select); coding-DNA position 1180, C replaced by G.
Protein change: p.Arg394Gly; replaces arginine 394 with glycine.
Molecular consequence: missense variant.
Genome position (GRCh38, 1-based): chr3:43,080,252, G>C on the plus strand (C>G on the coding strand, the complement: POMGNT2 is on the minus strand). VCF-style: chr3-43080252-G-C. GRCh37 (hg19) VCF-style: chr3-43121744-G-C.
Other names: short protein forms R394G.
Identifiers: ClinVar variation 848697 (VCV000848697.4), dbSNP rs146126985, ClinGen allele CA352301678.